The following is an entry in ClinVar:

NM_004174.4(SLC9A3):c.1145G>A (p.Arg382Gln)

Gene: SLC9A3 (solute carrier family 9 member A3). Cytogenetic location: 5p15.33.
Variant type: single nucleotide variant.
Coding change: c.1145G>A on transcript NM_004174.4 (MANE Select); coding-DNA position 1145, G replaced by A.
Protein change: p.Arg382Gln; replaces arginine 382 with glutamine.
Molecular consequence: missense variant.
Genome position (GRCh38, 1-based): chr5:483,270, C>T on the plus strand (G>A on the coding strand, the complement: SLC9A3 is on the minus strand). VCF-style: chr5-483270-C-T. GRCh37 (hg19) VCF-style: chr5-483385-C-T.
Other names: c.1145G>A, p.Arg382Gln (NM_001284351.3); short protein forms R382Q.
Identifiers: ClinVar variation 224597 (VCV000224597.3), dbSNP rs766076524, ClinGen allele CA358655.

ClinVar aggregate classification (germline): Pathogenic. Review status: criteria provided, single submitter (1 of 4 stars). 2 submissions from 2 submitters: Pathogenic (1). 1 of the submissions does not count toward it. Last evaluated 2024-07-05.

Conditions:
Congenital secretory sodium diarrhea 8. Identifiers: Orphanet 103908, MedGen C5441928, MONDO:0014808, OMIM 616868.

Allele frequency attached by ClinVar (database versions not stated): ExAC below 0.00001; TOPMed below 0.00001; gnomAD 0.00001; gnomAD exomes 0.00001.
gnomAD v4.1: 13 of 1,544,770 alleles (0.00084%); highest among the groups gnomAD compares: Non-Finnish European, 0.00088%; no homozygotes.

Submissions (2):

Aleixo Muise Laboratory, Hospital For Sick Children
Classification: Pathogenic for Congenital secretory sodium diarrhea 8. Last evaluated: 2024-07-05. Review status: criteria provided, single submitter. Criteria: ACMG Guidelines, 2015. Collection method: research. Allele origin: inherited. Affected: yes. Observed: 3 variant alleles.
Comment: PS1;PM2;PM3;PP1;PP3;PP4

OMIM
Classification: Pathogenic for DIARRHEA 8, SECRETORY SODIUM, CONGENITAL. Last evaluated: 2016-10-06. Review status: no assertion criteria provided. Collection method: literature only. Allele origin: germline. Not counted in ClinVar's aggregate classification.

Literature cited by the submitters: PubMed 26358773 (cited by OMIM).